The following is an entry in ClinVar:

NM_000702.4(ATP1A2):c.1777C>T (p.Arg593Trp)

Gene: ATP1A2 (ATPase Na+/K+ transporting subunit alpha 2; plus strand). Cytogenetic location: 1q23.2.
Variant type: single nucleotide variant.
Coding change: c.1777C>T on transcript NM_000702.4 (MANE Select); coding-DNA position 1777, C replaced by T.
Protein change: p.Arg593Trp; replaces arginine 593 with tryptophan.
Molecular consequence: missense variant.
Genome position (GRCh38, 1-based): chr1:160,130,547, C>T. VCF-style: chr1-160130547-C-T. GRCh37 (hg19) VCF-style: chr1-160100337-C-T.
Other names: short protein forms R593W.
Identifiers: ClinVar variation 265407 (VCV000265407.18), dbSNP rs886039530, ClinGen allele CA10588269.

ClinVar aggregate classification (germline): Conflicting classifications of pathogenicity. Review status: criteria provided, conflicting classifications (1 of 4 stars). 6 submissions from 6 submitters: Pathogenic (3); Likely pathogenic (1); Uncertain significance (2). Last evaluated 2025-11-03.

Conditions:
ATP1A2-related disorder. Also called: ATP1A2-related condition; ATP1A2-RELATED DISORDERS.
Inborn genetic diseases. Identifiers: MedGen C0950123, MeSH D030342.
Familial hemiplegic migraine. Identifiers: MedGen C0338484, MONDO:0000700.
Migraine, familial hemiplegic, 2. Identifiers: Orphanet 569, MedGen C1865322, MONDO:0011232, OMIM 602481.
Epileptic encephalopathy. Identifiers: MedGen C0543888, HP:0200134.

Allele frequency attached by ClinVar (database versions not stated): gnomAD exomes below 0.00001.
gnomAD v4.1: 1 of 1,614,224 alleles (0.000062%); highest among the groups gnomAD compares: Non-Finnish European, 0.000085%; no homozygotes.

Submissions (6):

Labcorp Genetics (formerly Invitae), Labcorp
Classification: Pathogenic for Familial hemiplegic migraine. Last evaluated: 2025-11-03. Review status: criteria provided, single submitter. Criteria: Invitae Variant Classification Sherloc (09022015). Collection method: clinical testing. Allele origin: germline.
Comment: This sequence change replaces arginine, which is basic and polar, with tryptophan, which is neutral and slightly polar, at codon 593 of the ATP1A2 protein (p.Arg593Trp). This variant is not present in population databases (gnomAD no frequency). This missense change has been observed in individual(s) with familial hemiplegic migraine (PMID: 16538223). In at least one individual the variant was observed to be de novo. ClinVar contains an entry for this variant (Variation ID: 265407). Invitae Evidence Modeling of protein sequence and biophysical properties (such as structural, functional, and spatial information, amino acid conservation, physicochemical variation, residue mobility, and thermodynamic stability) indicates that this missense variant is expected to disrupt ATP1A2 protein function with a positive predictive value of 80%. Experimental studies have shown that this missense change affects ATP1A2 function (PMID: 16538223, 22117059). For these reasons, this variant has been classified as Pathogenic.

GeneDx
Classification: Pathogenic. Last evaluated: 2024-08-02. Review status: criteria provided, single submitter. Criteria: GeneDx Variant Classification Process June 2021. Collection method: clinical testing. Allele origin: germline. Affected: yes.
Comment: Published functional studies demonstrate a damaging effect by impacting the rate of phosphorylation from ATP and Na/K-ATPase activity (PMID: 16538223, 22117059); Not observed at significant frequency in large population cohorts (gnomAD); In silico analysis supports that this missense variant has a deleterious effect on protein structure/function; This variant is associated with the following publications: (PMID: 23561701, 17495624, 27445835, 18184292, 18728015, 22117059, 20442779, 16538223, 34384358, 27535533)

Ambry Genetics
Classification: Uncertain significance for Inborn genetic diseases. Last evaluated: 2021-09-27. Review status: criteria provided, single submitter. Criteria: Ambry Variant Classification Scheme 2023. Collection method: clinical testing. Allele origin: germline.

Blueprint Genetics
Classification: Pathogenic for ATP1A2-related disorders. Last evaluated: 2020-01-20. Review status: criteria provided, single submitter. Criteria: ACMG Guidelines, 2015. Collection method: clinical testing. Allele origin: germline. Affected: yes. Observed: 1 variant allele.

Neurogenetics Laboratory - MEYER, AOU Meyer
Classification: Uncertain significance for Epileptic encephalopathy. Last evaluated: 2016-11-16. Review status: criteria provided, single submitter. Criteria: ACMG Guidelines, 2015. Collection method: clinical testing. Allele origin: paternal. Affected: yes. Observed: 1 heterozygote.

Juno Genomics, Hangzhou Juno Genomics, Inc
Classification: Likely pathogenic for Migraine, familial hemiplegic, 2. Review status: criteria provided, single submitter. Criteria: ACMG Guidelines, 2015. Collection method: clinical testing. Allele origin: germline. Affected: yes.
Comment: Absent from controls (or at extremely low frequency if recessive) in Genome Aggregation Database, Exome Sequencing Project, 1000 Genomes Project, or Exome Aggregation Consortium.;Multiple lines of computational evidence support a deleterious effect on the gene or gene product (conservation, evolutionary, splicing impact, etc).;Missense variant in a gene that has a low rate of benign missense variation and where missense variants are a common mechanism of disease.;The prevalence of the variant in affected individuals is significantly increased compared to the prevalence in controls.

Literature cited by the submitters: PubMed 16538223 (cited by Labcorp Genetics (formerly Invitae), Labcorp); PubMed 22117059 (cited by Labcorp Genetics (formerly Invitae), Labcorp and Ambry Genetics); PubMed 17473835 (cited by Ambry Genetics); PubMed 34384358 (cited by Ambry Genetics).